The following is an entry in ClinVar:

NM_153006.3(NAGS):c.1272C>A (p.Tyr424Ter)

Gene: NAGS (N-acetylglutamate synthase; plus strand). Cytogenetic location: 17q21.31.
Variant type: single nucleotide variant.
Coding change: c.1272C>A on transcript NM_153006.3 (MANE Select); coding-DNA position 1272, C replaced by A.
Protein change: p.Tyr424Ter; replaces tyrosine 424 with a stop codon.
Molecular consequence: nonsense.
Genome position (GRCh38, 1-based): chr17:44,007,594, C>A. VCF-style: chr17-44007594-C-A. GRCh37 (hg19) VCF-style: chr17-42084962-C-A.
Other names: short protein forms Y424*.
Identifiers: ClinVar variation 2731701 (VCV002731701.3), dbSNP rs1214956593, ClinGen allele CA399727391.
Genomic context (GRCh38, chr17:44,007,594, plus strand): 5'-GTCGGGCAGCTTCGGACCAAGGAGAGGTCCCAGCCTGCCGCTCTCCCGCTGCGCCAGGTA[C>A]AACGCCGCCGCCATTCTGACCATGGAGCCCGTCCTGGGGGGCACCCCGTACCTGGACAAA-3'

ClinVar aggregate classification (germline): Pathogenic (1 of 4 stars; one submission).

Conditions:
Hyperammonemia, type III (NAGSD). Also called: Hyperammonemia due to N-acetylglutamate synthase deficiency. Identifiers: Orphanet 927, MedGen C0268543, MONDO:0009377, OMIM 237310.

Submission:

Labcorp Genetics (formerly Invitae), Labcorp
Classification: Pathogenic for Hyperammonemia, type III. Last evaluated: 2023-06-28. Review status: criteria provided, single submitter. Criteria: Invitae Variant Classification Sherloc (09022015). Collection method: clinical testing. Allele origin: germline.
Comment: For these reasons, this variant has been classified as Pathogenic. This variant has not been reported in the literature in individuals affected with NAGS-related conditions. This variant is not present in population databases (gnomAD no frequency). This sequence change creates a premature translational stop signal (p.Tyr424*) in the NAGS gene. It is expected to result in an absent or disrupted protein product. Loss-of-function variants in NAGS are known to be pathogenic (PMID: 12594532).

Literature cited by the submitters: PubMed 12594532.